The following is an entry in ClinVar:

ClinVar aggregate classification (germline): Pathogenic (1 of 4 stars; one submission).

Conditions:
Familial thoracic aortic aneurysm and aortic dissection (TAAD). Also called: Thoracic aortic aneurysms and dissections. Identifiers: Orphanet 91387, MedGen C4707243, MONDO:0019625.
Marfan syndrome (MFS). Also called: FBN1-Related Marfan Syndrome; Marfan syndrome type 1; Marfan's syndrome; Marfan syndrome, classic; MARFAN SYNDROME, TYPE I. Identifiers: Orphanet 284963, Orphanet 558, MedGen C0024796, MONDO:0007947, OMIM 154700.

Submission:

Labcorp Genetics (formerly Invitae), Labcorp
Classification: Pathogenic for Marfan syndrome; Familial thoracic aortic aneurysm and aortic dissection. Last evaluated: 2018-08-11. Review status: criteria provided, single submitter. Criteria: Invitae Variant Classification Sherloc (09022015). Collection method: clinical testing. Allele origin: germline.
Comment: This variant is not present in population databases (ExAC no frequency). This sequence change results in a premature translational stop signal in the FBN1 gene (p.Ala2754Glnfs*25). While this is not anticipated to result in nonsense mediated decay, it is expected to disrupt the last 118 amino acids of the FBN1 protein. A different truncation (p.Leu2854Profs*9) that lies downstream of this variant has been determined to be pathogenic (Invitae). This suggests that deletion of this region of the FBN1 protein is causative of disease. For these reasons, this variant has been classified as Pathogenic.

NM_000138.5(FBN1):c.8259del (p.Ala2754fs)

Gene: FBN1 (fibrillin 1; minus strand). Cytogenetic location: 15q21.1.
Variant type: Deletion.
Coding change: c.8259del on transcript NM_000138.5 (MANE Select); coding-DNA position 8259, one base deleted (T; older notation c.8259delT).
Protein change: p.Ala2754fs; shifts the reading frame from alanine 2754.
Molecular consequence: frameshift variant.
Genome position (GRCh38, 1-based): chr15:48,411,347, A deleted on the plus strand (T on the coding strand, the reverse complement: FBN1 is on the minus strand); the first of 2 consecutive A bases (chr15:48,411,347-48,411,348); deleting either gives the same sequence. VCF-style (leftmost placement, unchanged base first): chr15-48411346-CA-C. GRCh37 (hg19) VCF-style: chr15-48703543-CA-C.
Other names: c.8259delT (NM_000138.4); short protein forms A2754fs.
Identifiers: ClinVar variation 651909 (VCV000651909.8), dbSNP rs1597506905, ClinGen allele CA915946621.
Genomic context (GRCh38, chr15:48,411,346, plus strand): 5'-TGTTACTGACGTGGGAAATATTGAAAGCAAAGATGGCTGTCTTCTCAACATCCCAACTTG[CA>C]AGACTCACATTGGCTTCTGTCTCAGACTGATCCTGGAAAGACACATGGCAATATGTTAAA-3'